The following is an entry in ClinVar:

NM_001458.5(FLNC):c.3692G>A (p.Gly1231Asp)

Gene: FLNC (filamin C; plus strand). Cytogenetic location: 7q32.1.
Variant type: single nucleotide variant.
Coding change: c.3692G>A on transcript NM_001458.5 (MANE Select); coding-DNA position 3692, G replaced by A.
Protein change: p.Gly1231Asp; replaces glycine 1231 with aspartic acid.
Molecular consequence: missense variant.
Genome position (GRCh38, 1-based): chr7:128,845,157, G>A. VCF-style: chr7-128845157-G-A. GRCh37 (hg19) VCF-style: chr7-128485211-G-A.
Other names: c.3692G>A, p.Gly1231Asp (NM_001127487.2); short protein forms G1231D.
Identifiers: ClinVar variation 963281 (VCV000963281.11), dbSNP rs1808507457, ClinGen allele CA369197713.

ClinVar aggregate classification (germline): Uncertain significance. Review status: criteria provided, multiple submitters, no conflicts (2 of 4 stars). 2 submissions from 2 submitters: Uncertain significance (2). Last evaluated 2023-09-18.

Conditions:
Myofibrillar myopathy 5. Also called: Filaminopathy (type); FILAMINOPATHY, AUTOSOMAL DOMINANT. Identifiers: Orphanet 171445, MedGen C1836050, MONDO:0012289, OMIM 609524.
Distal myopathy with posterior leg and anterior hand involvement. Also called: WILLIAMS DISTAL MYOPATHY. Identifiers: Orphanet 63273, MedGen C3279722, MONDO:0013550, OMIM 614065.
Hypertrophic cardiomyopathy 26. Also called: Cardiomyopathy, familial hypertrophic, 26. Identifiers: Orphanet 75249, MedGen C4310749, MONDO:0014883, OMIM 617047.

Submissions (2):

Clinical Genomics Laboratory, Stanford Medicine
Classification: Uncertain significance for Myofibrillar myopathy 5; Distal myopathy with posterior leg and anterior hand involvement; Hypertrophic cardiomyopathy 26. Last evaluated: 2023-09-18. Review status: criteria provided, single submitter. Criteria: ACMG Guidelines, 2015. Collection method: clinical testing. Allele origin: germline. Observed: 1 variant allele, 1 heterozygote.
Comment: The p.Gly1231Asp variant in the FLNC gene has not been previously reported in association with disease. This variant was absent from large population databases, including the Genome Aggregation Database. This variant is present in ClinVar (Variation ID: VCV000963281.9). The glycine at position 1231 is strongly evolutionarily conserved. Computational tools predict that the p.Gly1231Asp variant is deleterious; however, the accuracy of in silico algorithms is limited. These data were assessed using the ACMG/AMP variant interpretation guidelines. In summary, the significance of the p.Gly1231Asp variant is uncertain. Additional information is needed to resolve the significance of this variant. [ACMG evidence codes used: PM2; PP3]

Labcorp Genetics (formerly Invitae), Labcorp
Classification: Uncertain significance for Distal myopathy with posterior leg and anterior hand involvement; Myofibrillar myopathy 5; Hypertrophic cardiomyopathy 26. Last evaluated: 2022-03-19. Review status: criteria provided, single submitter. Criteria: Invitae Variant Classification Sherloc (09022015). Collection method: clinical testing. Allele origin: germline.
Comment: In summary, the available evidence is currently insufficient to determine the role of this variant in disease. Therefore, it has been classified as a Variant of Uncertain Significance. Algorithms developed to predict the effect of missense changes on protein structure and function are either unavailable or do not agree on the potential impact of this missense change (SIFT: "Deleterious"; PolyPhen-2: "Probably Damaging"; Align-GVGD: "Class C0"). ClinVar contains an entry for this variant (Variation ID: 963281). This variant has not been reported in the literature in individuals affected with FLNC-related conditions. This variant is not present in population databases (gnomAD no frequency). This sequence change replaces glycine, which is neutral and non-polar, with aspartic acid, which is acidic and polar, at codon 1231 of the FLNC protein (p.Gly1231Asp).